The following is an entry in ClinVar:

ClinVar aggregate classification (germline): Uncertain significance (1 of 4 stars; one submission).

Allele frequency attached by ClinVar (database versions not stated): gnomAD 0.00001; gnomAD exomes 0.00001; TOPMed 0.00001; ExAC 0.00002.
gnomAD v4.1: 5 of 1,612,606 alleles (0.00031%); highest among the groups gnomAD compares: African/African-American, 0.0067%; no homozygotes.

Submission:

Labcorp Genetics (formerly Invitae), Labcorp
Classification: Uncertain significance. Last evaluated: 2022-09-16. Review status: criteria provided, single submitter. Criteria: Invitae Variant Classification Sherloc (09022015). Collection method: clinical testing. Allele origin: germline.
Comment: This sequence change replaces valine, which is neutral and non-polar, with isoleucine, which is neutral and non-polar, at codon 426 of the KIF23 protein (p.Val426Ile). This variant is present in population databases (rs759979325, gnomAD 0.02%). This variant has not been reported in the literature in individuals affected with KIF23-related conditions. Advanced modeling of protein sequence and biophysical properties (such as structural, functional, and spatial information, amino acid conservation, physicochemical variation, residue mobility, and thermodynamic stability) performed at Invitae indicates that this missense variant is expected to disrupt KIF23 protein function. Algorithms developed to predict the effect of sequence changes on RNA splicing suggest that this variant may disrupt the consensus splice site. In summary, the available evidence is currently insufficient to determine the role of this variant in disease. Therefore, it has been classified as a Variant of Uncertain Significance.

NM_001367805.3(KIF23):c.1318G>A (p.Val440Ile)

Gene: KIF23 (kinesin family member 23; plus strand). Cytogenetic location: 15q23.
Variant type: single nucleotide variant.
Coding change: c.1318G>A on transcript NM_001367805.3 (MANE Select); coding-DNA position 1318, G replaced by A.
Protein change: p.Val440Ile; replaces valine 440 with isoleucine.
Molecular consequence: missense variant. On other transcripts: non-coding transcript variant (2).
Genome position (GRCh38, 1-based): chr15:69,436,141, G>A. VCF-style: chr15-69436141-G-A. GRCh37 (hg19) VCF-style: chr15-69728480-G-A.
Other names: c.946G>A, p.Val316Ile (NM_001281301.2); c.1276G>A, p.Val426Ile (NM_001367804.2, NM_004856.7, NM_138555.4); short protein forms V316I, V426I, V440I.
Identifiers: ClinVar variation 2421594 (VCV002421594.6), dbSNP rs759979325, ClinGen allele CA7635151.